The following is an entry in ClinVar:

NM_212482.4(FN1):c.5882T>C (p.Ile1961Thr)

Genes: FN1 (fibronectin 1; minus strand), LOC126806496 (CDK7 strongly-dependent group 2 enhancer GRCh37_chr2:216240057-216241256; plus strand). Cytogenetic location: 2q35.
Variant type: single nucleotide variant.
Coding change: c.5882T>C on transcript NM_212482.4 (MANE Select); coding-DNA position 5882, T replaced by C.
Protein change: p.Ile1961Thr; replaces isoleucine 1961 with threonine.
Molecular consequence: missense variant.
Genome position (GRCh38, 1-based): chr2:215,376,503, A>G on the plus strand (T>C on the coding strand, the complement: FN1 is on the minus strand). VCF-style: chr2-215376503-A-G. GRCh37 (hg19) VCF-style: chr2-216241226-A-G.
Other names: c.5882T>C, p.Ile1961Thr (NM_001306129.2); c.5612T>C, p.Ile1871Thr (NM_001306130.2, NM_001365517.2, NM_001365519.2 and 2 more transcripts); c.5339T>C, p.Ile1780Thr (NM_001306131.2, NM_001306132.2, NM_001365523.2 and 2 more transcripts); c.5609T>C, p.Ile1870Thr (NM_001365518.2, NM_001365520.2, NM_001365524.2 and 2 more transcripts); short protein forms I1870T, I1871T, I1780T, I1961T.
Identifiers: ClinVar variation 4754794 (VCV004754794.1).

ClinVar aggregate classification (germline): Uncertain significance (1 of 4 stars; one submission).

Submission:

Labcorp Genetics (formerly Invitae), Labcorp
Classification: Uncertain significance. Last evaluated: 2025-12-01. Review status: criteria provided, single submitter. Criteria: Invitae Variant Classification Sherloc (09022015). Collection method: clinical testing. Allele origin: germline.
Comment: This sequence change replaces isoleucine, which is neutral and non-polar, with threonine, which is neutral and polar, at codon 1961 of the FN1 protein (p.Ile1961Thr). This variant is not present in population databases (gnomAD no frequency). This variant has not been reported in the literature in individuals affected with FN1-related conditions. An algorithm developed to predict the effect of missense changes on protein structure and function (PolyPhen-2) suggests that this variant is likely to be disruptive. In summary, the available evidence is currently insufficient to determine the role of this variant in disease. Therefore, it has been classified as a Variant of Uncertain Significance.